The following is an entry in ClinVar:

NM_001374736.1(DST):c.3967C>A (p.Leu1323Ile)

Gene: DST (dystonin; minus strand). Cytogenetic location: 6p12.1.
Variant type: single nucleotide variant.
Coding change: c.3967C>A on transcript NM_001374736.1 (MANE Select); coding-DNA position 3967, C replaced by A.
Protein change: p.Leu1323Ile; replaces leucine 1323 with isoleucine.
Molecular consequence: missense variant.
Genome position (GRCh38, 1-based): chr6:56,631,386, G>T on the plus strand (C>A on the coding strand, the complement: DST is on the minus strand). VCF-style: chr6-56631386-G-T. GRCh37 (hg19) VCF-style: chr6-56496184-G-T.
Other names: c.3868C>A, p.Leu1290Ile (NM_001144769.5); c.3454C>A, p.Leu1152Ile (NM_001144770.2); c.3967C>A, p.Leu1323Ile (NM_001374722.1); c.3334C>A, p.Leu1112Ile (NM_001374729.1, NM_001374730.1, NM_001386100.1 and 1 more transcripts); c.3994C>A, p.Leu1332Ile (NM_001374734.1); c.2356C>A, p.Leu786Ile (NM_001723.7, NM_015548.5); short protein forms L1112I, L1323I, L1152I, L1332I, L786I, L1290I.
Identifiers: ClinVar variation 1384904 (VCV001384904.6), dbSNP rs2152759564, ClinGen allele CA364574718.

ClinVar aggregate classification (germline): Uncertain significance (1 of 4 stars; one submission).

Conditions:
Hereditary sensory and autonomic neuropathy type 6. Also called: HSAN VI; Neuropathy, hereditary sensory and autonomic, type VI. Identifiers: Orphanet 314381, MedGen C3539003, MONDO:0013839, OMIM 614653.
Epidermolysis bullosa simplex 3, localized or generalized intermediate, with BP230 deficiency (EBS3). Also called: Epidermolysis bullosa simplex, autosomal recessive 2; Epidermolysis bullosa simplex due to BP230 deficiency. Identifiers: Orphanet 412181, MedGen C3809470, MONDO:0014180, OMIM 615425.

Submission:

Labcorp Genetics (formerly Invitae), Labcorp
Classification: Uncertain significance for Epidermolysis bullosa simplex 3, localized or generalized intermediate, with BP230 deficiency; Hereditary sensory and autonomic neuropathy type 6. Last evaluated: 2022-07-12. Review status: criteria provided, single submitter. Criteria: Invitae Variant Classification Sherloc (09022015). Collection method: clinical testing. Allele origin: germline.
Comment: Algorithms developed to predict the effect of missense changes on protein structure and function are either unavailable or do not agree on the potential impact of this missense change (SIFT: "Deleterious"; PolyPhen-2: "Probably Damaging"; Align-GVGD: "Class C0"). This sequence change replaces leucine, which is neutral and non-polar, with isoleucine, which is neutral and non-polar, at codon 786 of the DST protein (p.Leu786Ile). This variant is not present in population databases (gnomAD no frequency). This variant has not been reported in the literature in individuals affected with DST-related conditions. ClinVar contains an entry for this variant (Variation ID: 1384904). In summary, the available evidence is currently insufficient to determine the role of this variant in disease. Therefore, it has been classified as a Variant of Uncertain Significance.